The following is an entry in ClinVar:

NM_001024630.4(RUNX2):c.221C>A (p.Ala74Glu)

Genes: RUNX2 (RUNX family transcription factor 2; plus strand), LOC109611589 (runt related transcription factor 2 polyalanine expansion region; plus strand). Cytogenetic location: 6p21.1.
Variant type: single nucleotide variant.
Coding change: c.221C>A on transcript NM_001024630.4 (MANE Select); coding-DNA position 221, C replaced by A.
Protein change: p.Ala74Glu; replaces alanine 74 with glutamic acid.
Molecular consequence: missense variant.
Genome position (GRCh38, 1-based): chr6:45,422,755, C>A. VCF-style: chr6-45422755-C-A. GRCh37 (hg19) VCF-style: chr6-45390492-C-A.
Other names: c.221C>A, p.Ala74Glu (NM_001015051.4); c.179C>A, p.Ala60Glu (NM_001278478.2, NM_001369405.1); c.221C>A (NM_001024630.3); short protein forms A60E, A74E.
Identifiers: ClinVar variation 1478949 (VCV001478949.10), dbSNP rs753139240, ClinGen allele CA3836322.

ClinVar aggregate classification (germline): Uncertain significance. Review status: criteria provided, multiple submitters, no conflicts (2 of 4 stars). 3 submissions from 3 submitters: Uncertain significance (3). Last evaluated 2025-06-03.

Conditions:
Inborn genetic diseases. Identifiers: MedGen C0950123, MeSH D030342.

Allele frequency attached by ClinVar (database versions not stated): gnomAD 0.00003 and 0.00005; TOPMed 0.00003; ExAC 0.00013; gnomAD exomes 0.00014.
gnomAD v4.1: 85 of 1,349,026 alleles (0.0063%); highest among the groups gnomAD compares: Middle Eastern, 0.06%; 6 homozygotes.

Submissions (3):

Labcorp Genetics (formerly Invitae), Labcorp
Classification: Uncertain significance. Last evaluated: 2025-06-03. Review status: criteria provided, single submitter. Criteria: Invitae Variant Classification Sherloc (09022015). Collection method: clinical testing. Allele origin: germline.
Comment: This sequence change replaces alanine, which is neutral and non-polar, with glutamic acid, which is acidic and polar, at codon 74 of the RUNX2 protein (p.Ala74Glu). The frequency data for this variant in the population databases is considered unreliable, as metrics indicate poor data quality at this position in the gnomAD database. This variant has not been reported in the literature in individuals affected with RUNX2-related conditions. ClinVar contains an entry for this variant (Variation ID: 1478949). An algorithm developed to predict the effect of missense changes on protein structure and function (PolyPhen-2) suggests that this variant is likely to be tolerated. In summary, the available evidence is currently insufficient to determine the role of this variant in disease. Therefore, it has been classified as a Variant of Uncertain Significance.

Ambry Genetics
Classification: Uncertain significance for Inborn genetic diseases. Last evaluated: 2025-04-10. Review status: criteria provided, single submitter. Criteria: Ambry Variant Classification Scheme 2023. Collection method: clinical testing. Allele origin: germline.

Breakthrough Genomics
Classification: Uncertain significance. Review status: criteria provided, single submitter. Criteria: ACMG Guidelines, 2015. Collection method: not provided. Allele origin: germline. Inheritance: Autosomal dominant inheritance. Affected: yes.